The following is an entry in ClinVar:

NM_201384.3(PLEC):c.5082G>C (p.Leu1694=)

Gene: PLEC (plectin; minus strand). Cytogenetic location: 8q24.3.
Variant type: single nucleotide variant.
Coding change: c.5082G>C on transcript NM_201384.3 (MANE Select); coding-DNA position 5082, G replaced by C.
Protein change: p.Leu1694=; no amino-acid change (leucine 1694 retained).
Molecular consequence: synonymous variant.
Genome position (GRCh38, 1-based): chr8:143,924,847, C>G on the plus strand (G>C on the coding strand, the complement: PLEC is on the minus strand). VCF-style: chr8-143924847-C-G. GRCh37 (hg19) VCF-style: chr8-144999015-C-G.
Other names: p.Leu1680=; c.5163G>C, p.Leu1721= (NM_000445.5); c.5040G>C, p.Leu1680= (NM_201378.4); c.5016G>C, p.Leu1672= (NM_201379.3); c.5493G>C, p.Leu1831= (NM_201380.4); c.4986G>C, p.Leu1662= (NM_201381.3); c.5082G>C, p.Leu1694= (NM_201382.4); c.5094G>C, p.Leu1698= (NM_201383.3).
Identifiers: ClinVar variation 382874 (VCV000382874.25), dbSNP rs182961574, ClinGen allele CA4926439.
Genomic context (GRCh38, chr8:143,924,847, plus strand): 5'-CTCCTGCTCCGCGGCCAGGCGCTGCTGCGCGGTGCCTTCCGCCAGCTGCCGCTGCTTCTC[C>G]AGCTCTTGTTCAGCCAGCTCCCGCTGCCGGACGGCCTGCTCCTCCGCCTTGCCGCGCCGC-3'
Protein context (NP_958786.1, residues 1684-1704): VRQRELAEQE[Leu1694=]EKQRQLAEGT

ClinVar aggregate classification (germline): Benign/Likely benign. Review status: criteria provided, multiple submitters, no conflicts (2 of 4 stars). 6 submissions from 6 submitters: Benign (3); Likely benign (3). Last evaluated 2026-01-21.

Conditions:
Epidermolysis bullosa simplex with nail dystrophy (EBS5D). Identifiers: MedGen C4225309, MONDO:0014661, OMIM 616487.
Autosomal recessive limb-girdle muscular dystrophy type 2Q (LGMDR17). Also called: MUSCULAR DYSTROPHY, LIMB-GIRDLE, AUTOSOMAL RECESSIVE 17. Identifiers: Orphanet 254361, MedGen C3150989, MONDO:0013390, OMIM 613723.
Epidermolysis bullosa simplex, Ogna type (EBS5A). Also called: Pidermolysis bullosa simplex 5A, Ogna type; EPIDERMOLYSIS BULLOSA SIMPLEX 5A, OGNA TYPE. Identifiers: Orphanet 79401, MedGen C0432317, MONDO:0007555, OMIM 131950.
Epidermolysis bullosa simplex 5B, with muscular dystrophy (EBS5B). Also called: Epidermolysis bullosa simplex with muscular dystrophy; EPIDERMOLYSIS BULLOSA SIMPLEX AND LIMB-GIRDLE MUSCULAR DYSTROPHY. Identifiers: Orphanet 257, MedGen C2931072, MONDO:0009181, OMIM 226670.
Epidermolysis bullosa simplex 5C, with pyloric atresia (EBS5C). Also called: PLEC-Related Epidermolysis Bullosa with Pyloric Atresia; Epidermolysis bullosa simplex with pyloric atresia; PLEC1-Related Epidermolysis Bullosa with Pyloric Atresia. Identifiers: Orphanet 158684, MedGen C2677349, MONDO:0012807, OMIM 612138.

Allele frequency attached by ClinVar (database versions not stated): TOPMed 0.00227; 1000 Genomes Project 0.00339; 1000 Genomes Project 30x 0.00390.
gnomAD v4.1: 709 of 1,585,458 alleles (0.045%); highest among the groups gnomAD compares: African/African-American, 0.83%; 1 homozygote.

Submissions (6):

Labcorp Genetics (formerly Invitae), Labcorp
Classification: Benign for Autosomal recessive limb-girdle muscular dystrophy type 2Q; Epidermolysis bullosa simplex, Ogna type; Epidermolysis bullosa simplex with nail dystrophy; Epidermolysis bullosa simplex 5C, with pyloric atresia; Epidermolysis bullosa simplex 5B, with muscular dystrophy. Last evaluated: 2026-01-21. Review status: criteria provided, single submitter. Criteria: Invitae Variant Classification Sherloc (09022015). Collection method: clinical testing. Allele origin: germline.

CeGaT Center for Human Genetics Tuebingen
Classification: Likely benign. Last evaluated: 2025-05-01. Review status: criteria provided, single submitter. Criteria: CeGaT Center For Human Genetics Tuebingen Variant Classification Criteria Version 2. Collection method: clinical testing. Allele origin: germline. Affected: yes. Observed: 1 variant allele.
Comment: PLEC: BP4, BP7

Mayo Clinic Laboratories, Mayo Clinic
Classification: Benign. Last evaluated: 2025-03-26. Review status: criteria provided, single submitter. Criteria: ACMG Guidelines, 2015. Collection method: clinical testing. Allele origin: germline. Observed: 5 variant alleles.
Comment: BA1, BP4, BP7

Blueprint Genetics
Classification: Likely benign. Last evaluated: 2024-11-07. Review status: criteria provided, single submitter. Criteria: ACMG Guidelines, 2015. Collection method: clinical testing. Allele origin: germline.

Athena Diagnostics
Classification: Benign. Last evaluated: 2021-03-22. Review status: criteria provided, single submitter. Criteria: Athena Diagnostics criteria. Collection method: clinical testing. Allele origin: unknown.

GeneDx
Classification: Likely benign. Last evaluated: 2019-04-04. Review status: criteria provided, single submitter. Criteria: GeneDx Variant Classification Process June 2021. Collection method: clinical testing. Allele origin: germline. Affected: yes.